The following is an entry in ClinVar:

ClinVar aggregate classification (germline): Uncertain significance. Review status: criteria provided, multiple submitters, no conflicts (2 of 4 stars). 2 submissions from 2 submitters: Uncertain significance (2). Last evaluated 2023-08-03.

Allele frequency attached by ClinVar (database versions not stated): gnomAD 0.00001.

Submissions (2):

Labcorp Genetics (formerly Invitae), Labcorp
Classification: Uncertain significance. Last evaluated: 2023-08-03. Review status: criteria provided, single submitter. Criteria: Invitae Variant Classification Sherloc (09022015). Collection method: clinical testing. Allele origin: germline.
Comment: ClinVar contains an entry for this variant (Variation ID: 2345204). This sequence change replaces arginine, which is basic and polar, with cysteine, which is neutral and slightly polar, at codon 207 of the FSCN2 protein (p.Arg207Cys). This variant is present in population databases (rs782780345, gnomAD 0.007%). This variant has not been reported in the literature in individuals affected with FSCN2-related conditions. An algorithm developed to predict the effect of missense changes on protein structure and function (PolyPhen-2) suggests that this variant is likely to be tolerated. In summary, the available evidence is currently insufficient to determine the role of this variant in disease. Therefore, it has been classified as a Variant of Uncertain Significance.

Ambry Genetics
Classification: Uncertain significance. Last evaluated: 2021-10-26. Review status: criteria provided, single submitter. Criteria: Ambry Variant Classification Scheme 2023. Collection method: clinical testing. Allele origin: germline.

NM_012418.4(FSCN2):c.619C>T (p.Arg207Cys)

Gene: FSCN2 (fascin actin-bundling protein 2, retinal; plus strand). Cytogenetic location: 17q25.3.
Variant type: single nucleotide variant.
Coding change: c.619C>T on transcript NM_012418.4 (MANE Select); coding-DNA position 619, C replaced by T.
Protein change: p.Arg207Cys; replaces arginine 207 with cysteine.
Molecular consequence: missense variant.
Genome position (GRCh38, 1-based): chr17:81,529,150, C>T. VCF-style: chr17-81529150-C-T. GRCh37 (hg19) VCF-style: chr17-79496176-C-T.
Other names: c.619C>T, p.Arg207Cys (NM_001077182.3); short protein forms R207C.
Identifiers: ClinVar variation 2345204 (VCV002345204.5), dbSNP rs782780345, ClinGen allele CA8836738.
Genomic context (GRCh38, chr17:81,529,150, plus strand): 5'-AAGTCCTGTGACAGCCGCTACCTGCGCAGCGACGGCCGTCTGGTCTGGGAGCCTGAGCCC[C>T]GTGCCTGCTACACGCTGGAGTTCAAGGCGGGCAAGCTGGCCTTCAAGGACTGCGACGGCC-3'
Protein context (NP_036550.1, residues 197-217): DGRLVWEPEP[Arg207Cys]ACYTLEFKAG